The following is an entry in ClinVar:

NM_000344.4(SMN1):c.835-3C>T

Gene: SMN1 (survival of motor neuron 1, telomeric). Cytogenetic location: 5q13.2.
Variant type: single nucleotide variant.
Coding change: c.835-3C>T on transcript NM_000344.4 (MANE Select); 3 bases into the intron before coding-DNA position 835, C replaced by T.
Molecular consequence: intron variant.
Genome position (GRCh38, 1-based): chr5:70,951,938, C>T. VCF-style: chr5-70951938-C-T. GRCh37 (hg19) VCF-style: chr5-70247765-C-T.
Other names: c.835-501C>T (NM_001297715.1); c.739-3C>T (NM_022874.2).
Identifiers: ClinVar variation 495829 (VCV000495829.14), dbSNP rs772466166, ClinGen allele CA3295117.

ClinVar aggregate classification (germline): Conflicting classifications of pathogenicity. Review status: criteria provided, conflicting classifications (1 of 4 stars). 4 submissions from 4 submitters: Pathogenic (2); Likely pathogenic (1); Uncertain significance (1). Last evaluated 2025-06-13.

Conditions:
Spinal muscular atrophy (SMA). Identifiers: MedGen C0026847, MeSH D009134, MONDO:0001516, HP:0007269.
Spinal muscular atrophy, type IV. Also called: Adult spinal muscular atrophy; SPINAL MUSCULAR ATROPHY, ADULT FORM; SPINAL MUSCULAR ATROPHY, PROXIMAL, ADULT, AUTOSOMAL RECESSIVE. Identifiers: Orphanet 83420, MedGen C1838230, MONDO:0010056, OMIM 271150.

Allele frequency attached by ClinVar (database versions not stated): gnomAD exomes 0.00001; TOPMed 0.00002; ExAC 0.00002.
gnomAD v4.1: 17 of 1,612,438 alleles (0.0011%); highest among the groups gnomAD compares: Non-Finnish European, 0.0014%; no homozygotes.

Submissions (4):

Women's Health and Genetics/Laboratory Corporation of America, LabCorp
Classification: Likely pathogenic for Spinal muscular atrophy. Last evaluated: 2025-06-13. Review status: criteria provided, single submitter. Criteria: LabCorp Variant Classification Summary - May 2015. Collection method: clinical testing. Allele origin: germline.
Comment: Variant summary: SMN1 c.835-3C>T alters a conserved nucleotide located close to a canonical splice site and therefore could affect mRNA splicing, leading to a significantly altered protein sequence. Consensus agreement among computation tools predict no significant impact on normal splicing. However, at least two functional studies report this variant produced aberrant transcripts (Vezain_2011, Soucek_2019). Additionally, Vezain_2011 showed that this variant leads to 20% of exon 7 skipping in SMN1 mRNA using a minigene assay. The variant allele was found at a frequency of 8.1e-06 in 248152 control chromosomes. c.835-3C>T has been observed in individual(s) affected with Spinal Muscular Atrophy (Vezain_2011, Internal data). These data indicate that the variant may be associated with disease. The following publications have been ascertained in the context of this evaluation (PMID: 24844453, 27425821, 31213135, 21542063). ClinVar contains an entry for this variant (Variation ID: 495829). Based on the evidence outlined above, the variant was classified as likely pathogenic.

Labcorp Genetics (formerly Invitae), Labcorp
Classification: Pathogenic for Spinal muscular atrophy. Last evaluated: 2022-03-14. Review status: criteria provided, single submitter. Criteria: Invitae Variant Classification Sherloc (09022015). Collection method: clinical testing. Allele origin: germline.
Comment: For these reasons, this variant has been classified as Pathogenic. Variants that disrupt the consensus splice site are a relatively common cause of aberrant splicing (PMID: 17576681, 9536098). Studies have shown that this variant is associated with altered splicing resulting in unknown protein product impact (PMID: 21542063, 31213135). ClinVar contains an entry for this variant (Variation ID: 495829). This variant has been observed in individual(s) with spinal muscular atrophy (SMA) (PMID: 21542063; Invitae). In at least one individual the data is consistent with being in trans (on the opposite chromosome) from a pathogenic variant. The frequency data for this variant in the population databases (gnomAD) is considered unreliable due to the presence of homologous sequence, such as pseudogenes or paralogs, in the genome. This sequence change falls in intron 7 of the SMN1 gene. It does not directly change the encoded amino acid sequence of the SMN1 protein. It affects a nucleotide within the consensus splice site.

Athena Diagnostics
Classification: Uncertain significance. Last evaluated: 2020-06-25. Review status: criteria provided, single submitter. Criteria: Athena Diagnostics Criteria. Collection method: clinical testing. Allele origin: unknown.

Molecular Diagnostics Lab, Nemours Children's Health, Delaware
Classification: Pathogenic for Spinal muscular atrophy, type IV. Last evaluated: 2016-03-02. Review status: criteria provided, single submitter. Criteria: ACMG Guidelines, 2015. Collection method: clinical testing. Allele origin: maternal, unknown. Affected: yes and no. Observed: 3 variant alleles. Clinical features observed: proximal weakness, neuropathic changes on electromyogram.

Literature cited by the submitters: PubMed 21542063 (cited by 4 submitters); PubMed 24844453 (cited by Women's Health and Genetics/Laboratory Corporation of America, LabCorp and Athena Diagnostics); PubMed 27425821 (cited by Women's Health and Genetics/Laboratory Corporation of America, LabCorp); PubMed 31213135 (cited by 3 submitters); PubMed 17576681 (cited by Labcorp Genetics (formerly Invitae), Labcorp); PubMed 9536098 (cited by Labcorp Genetics (formerly Invitae), Labcorp).